The following is an entry in ClinVar:

ClinVar aggregate classification (germline): Likely pathogenic (1 of 4 stars; one submission).

Conditions:
Stickler syndrome type 2 (STL2). Also called: STICKLER SYNDROME, TYPE II; STICKLER SYNDROME, BEADED VITREOUS TYPE; STICKLER SYNDROME, VITREOUS TYPE 2; COL11A1-Related Stickler Syndrome. Identifiers: Orphanet 828, Orphanet 90654, MedGen C1858084, MONDO:0011493, OMIM 604841.

Submission:

Victorian Clinical Genetics Services, Murdoch Childrens Research Institute
Classification: Likely pathogenic for Stickler syndrome type 2. Last evaluated: 2022-09-02. Review status: criteria provided, single submitter. Criteria: ACMG Guidelines, 2015. Collection method: clinical testing. Allele origin: germline. Inheritance: Autosomal dominant inheritance. Affected: yes.
Comment: Based on the classification scheme VCGS_Germline_v1.3.4, this variant is classified as Likely pathogenic. Following criteria are met: 0102 - Loss of function is a known mechanism of disease in this gene and is associated with COL11A1-related skeletal dysplasias and autosomal dominant deafness 37 (MIM#618533). Dominant negative is also a suggested mechanism (OMIM). (I) 0108 - This gene is associated with both recessive and dominant disease. Both missense variants and those predicted to result in a truncated protein have been associated with autosomal recessive and dominant disease. Additionally, autosomal recessive Stickler syndrome is usually caused by variants affecting exon 9 (PMID: 32578940, PMID: 25073711). (I) 0115 - Variants in this gene causing Stickler syndrome are known to have variable expressivity (PMID: 27081569). (I) 0211 - Canonical splice site variant without proven consequence on splicing (no functional evidence available). However, it should be noted that this variant may result in an in-frame deletion of exon 42, which is a G-X-Y repeat region. (SP) 0251 - This variant is heterozygous. (I) 0301 - Variant is absent from gnomAD (both v2 and v3). (SP) 0311 - An alternative nucleotide change at the same canonical splice site is present in gnomAD (v2) at a frequency of 0.00002913 (c.3276+2T>A: 1 heterozygote, 0 homozygotes). (SB) 0505 - Abnormal splicing is predicted by in silico tools and affected nucleotide is highly conserved. (SP) 0705 - No comparable splice variants have previous evidence for pathogenicity. (I) 0807 - This variant has no previous evidence of pathogenicity. (I) 0905 - No published segregation evidence has been identified for this variant. (I) 1007 - No published functional evidence has been identified for this variant. (I) 1208 - Inheritance information for this variant is not currently available in this individual. (I) Legend: (SP) - Supporting pathogenic, (I) - Information, (SB) - Supporting benign

Literature cited by the submitters: PubMed 25073711; PubMed 27081569; PubMed 32578940.

NM_001854.4(COL11A1):c.3276+2T>G

Gene: COL11A1 (collagen type XI alpha 1 chain; minus strand). Cytogenetic location: 1p21.1.
Variant type: single nucleotide variant.
Coding change: c.3276+2T>G on transcript NM_001854.4 (MANE Select); the canonical splice donor site of the intron after coding-DNA position 3276, T replaced by G.
Molecular consequence: splice donor variant.
Genome position (GRCh38, 1-based): chr1:102,946,847, A>C on the plus strand (T>G on the coding strand, the complement: COL11A1 is on the minus strand). VCF-style: chr1-102946847-A-C. GRCh37 (hg19) VCF-style: chr1-103412403-A-C.
Other names: c.3159+2T>G (NM_001190709.2); c.3312+2T>G (NM_080629.3); c.2928+2T>G (NM_080630.4).
Identifiers: ClinVar variation 3377503 (VCV003377503.1).
Genomic context (GRCh38, chr1:102,946,847, plus strand): 5'-ATAAAAAGTAATAACGTGTACAGGGTAGCAGCATAATATATTTTCTCCTAGACATTACTT[A>C]CAGGAGCACCTTTCTCTCCAGCTGGACCAGGAGGACCCTGAGGTCCCGGGCGCCCTGGTA-3'